The following is an entry in ClinVar:

ClinVar aggregate classification (germline): Uncertain significance (1 of 4 stars; one submission).

Submission:

Labcorp Genetics (formerly Invitae), Labcorp
Classification: Uncertain significance. Last evaluated: 2024-07-31. Review status: criteria provided, single submitter. Criteria: Invitae Variant Classification Sherloc (09022015). Collection method: clinical testing. Allele origin: germline.
Comment: This sequence change replaces asparagine, which is neutral and polar, with lysine, which is basic and polar, at codon 1517 of the SMARCA2 protein (p.Asn1517Lys). This variant is present in population databases (no rsID available, gnomAD 0.006%). This variant has not been reported in the literature in individuals affected with SMARCA2-related conditions. Advanced modeling of protein sequence and biophysical properties (such as structural, functional, and spatial information, amino acid conservation, physicochemical variation, residue mobility, and thermodynamic stability) performed at Invitae indicates that this missense variant is not expected to disrupt SMARCA2 protein function with a negative predictive value of 80%. In summary, the available evidence is currently insufficient to determine the role of this variant in disease. Therefore, it has been classified as a Variant of Uncertain Significance.

NM_003070.5(SMARCA2):c.4551T>A (p.Asn1517Lys)

Gene: SMARCA2 (SWI/SNF related BAF chromatin remodeling complex subunit ATPase 2; plus strand). Cytogenetic location: 9p24.3.
Variant type: single nucleotide variant.
Coding change: c.4551T>A on transcript NM_003070.5 (MANE Select); coding-DNA position 4551, T replaced by A.
Protein change: p.Asn1517Lys; replaces asparagine 1517 with lysine.
Molecular consequence: missense variant.
Genome position (GRCh38, 1-based): chr9:2,186,185, T>A. VCF-style: chr9-2186185-T-A. GRCh37 (hg19) VCF-style: chr9-2186185-T-A.
Other names: c.4551T>A, p.Asn1517Lys (NM_001289396.2); c.4323T>A, p.Asn1441Lys (NM_001289397.2); c.525T>A, p.Asn175Lys (NM_001289398.2); c.609T>A, p.Asn203Lys (NM_001289399.2); c.615T>A, p.Asn205Lys (NM_001289400.2); c.4497T>A, p.Asn1499Lys (NM_139045.4); short protein forms N1441K, N203K, N1517K, N1499K, N175K, N205K.
Identifiers: ClinVar variation 3692095 (VCV003692095.2).
Genomic context (GRCh38, chr9:2,186,185, plus strand): 5'-AGTGTTTAAGAGTGCCCGGCAGAAAATTGCCAAAGAGGAAGAGAGTGAGGATGAAAGCAA[T>A]GAAGAGGAGGAAGAGGAAGATGAAGAAGAGTCAGAGTCCGAGGGTAAGCCCAGACATTCG-3'
Protein context (NP_003061.3, residues 1507-1527): AKEEESEDES[Asn1517Lys]EEEEEEDEEE